The following is an entry in ClinVar:

ClinVar aggregate classification (germline): Uncertain significance (1 of 4 stars; one submission).

Conditions:
Inborn genetic diseases. Identifiers: MedGen C0950123, MeSH D030342.

Submission:

Ambry Genetics
Classification: Uncertain significance for Inborn genetic diseases. Last evaluated: 2025-03-07. Review status: criteria provided, single submitter. Criteria: Ambry Variant Classification Scheme 2023. Collection method: clinical testing. Allele origin: germline.
Comment: The p.A204V variant (also known as c.611C>T), located in coding exon 4 of the ERCC6L2 gene, results from a C to T substitution at nucleotide position 611. The alanine at codon 204 is replaced by valine, an amino acid with similar properties. This amino acid position is conserved. In addition, the in silico prediction for this alteration is inconclusive. Based on the available evidence, the clinical significance of this variant remains unclear.

NM_020207.7(ERCC6L2):c.611C>T (p.Ala204Val)

Gene: ERCC6L2 (ERCC excision repair 6 like 2; plus strand). Cytogenetic location: 9q22.32.
Variant type: single nucleotide variant.
Coding change: c.611C>T on transcript NM_020207.7 (MANE Select); coding-DNA position 611, C replaced by T.
Protein change: p.Ala204Val; replaces alanine 204 with valine.
Molecular consequence: missense variant. On other transcripts: non-coding transcript variant (1).
Genome position (GRCh38, 1-based): chr9:95,907,094, C>T. VCF-style: chr9-95907094-C-T. GRCh37 (hg19) VCF-style: chr9-98669376-C-T.
Other names: c.611C>T, p.Ala204Val (NM_001010895.4, NM_001375291.1, NM_001375292.1 and 2 more transcripts); short protein forms A204V.
Identifiers: ClinVar variation 3845983 (VCV003845983.1).